The following is an entry in ClinVar:

NM_000257.4(MYH7):c.2004C>T (p.His668=)

Gene: MYH7 (myosin heavy chain 7; minus strand). Cytogenetic location: 14q11.2.
Variant type: single nucleotide variant.
Coding change: c.2004C>T on transcript NM_000257.4 (MANE Select); coding-DNA position 2004, C replaced by T.
Protein change: p.His668=; no amino-acid change (histidine 668 retained).
Molecular consequence: synonymous variant.
Genome position (GRCh38, 1-based): chr14:23,426,817, G>A on the plus strand (C>T on the coding strand, the complement: MYH7 is on the minus strand). VCF-style: chr14-23426817-G-A. GRCh37 (hg19) VCF-style: chr14-23896026-G-A.
Other names: c.2004C>T, p.His668= (NM_001407004.1).
Identifiers: ClinVar variation 3073086 (VCV003073086.2), dbSNP rs1892712315, ClinGen allele CA485623607.

ClinVar aggregate classification (germline): Likely benign. Review status: criteria provided, multiple submitters, no conflicts (2 of 4 stars). 2 submissions from 2 submitters: Likely benign (2). Last evaluated 2024-11-17.

Conditions:
Cardiomyopathy (CMYO). Also called: Cardiomyopathies. Identifiers: Orphanet 167848, MedGen C0878544, MONDO:0004994, HP:0001638. Inheritance: Various modes of inheritance.
Cardiovascular phenotype. Identifiers: MedGen CN230736.

Submissions (2):

Ambry Genetics
Classification: Likely benign for Cardiovascular phenotype. Last evaluated: 2024-11-17. Review status: criteria provided, single submitter. Criteria: Ambry Variant Classification Scheme 2023. Collection method: clinical testing. Allele origin: germline.

All of Us Research Program, National Institutes of Health
Classification: Likely benign for Cardiomyopathy. Last evaluated: 2023-08-23. Review status: criteria provided, single submitter. Criteria: ACMG Guidelines, 2015. Collection method: clinical testing. Allele origin: germline. Inheritance: Autosomal dominant inheritance. Observed: 1 variant allele, 1 heterozygote.
Comment: This study involves interpretation of variants in research participants for the purpose of population health screening. Participant phenotype was not available at the time of variant classification. Additional details can be found in publication PMID: 35346344, PMCID: PMC8962531